The following is an entry in ClinVar:

ClinVar aggregate classification (germline): Conflicting classifications of pathogenicity. Review status: criteria provided, conflicting classifications (1 of 4 stars). 2 submissions from 2 submitters: Uncertain significance (1); Likely benign (1). Last evaluated 2024-04-16.

Conditions:
Marfan syndrome (MFS). Also called: FBN1-Related Marfan Syndrome; MARFAN SYNDROME, TYPE I; Marfan syndrome type 1; Marfan's syndrome; Marfan syndrome, classic. Identifiers: Orphanet 284963, Orphanet 558, MedGen C0024796, MONDO:0007947, OMIM 154700.
Familial thoracic aortic aneurysm and aortic dissection (TAAD). Also called: Thoracic aortic aneurysms and dissections. Identifiers: Orphanet 91387, MedGen C4707243, MONDO:0019625.

gnomAD v4.1: 2 of 1,613,944 alleles (0.00012%); highest among the groups gnomAD compares: Admixed American, 0.0033%; no homozygotes.

Submissions (2):

All of Us Research Program, National Institutes of Health
Classification: Uncertain significance for Marfan syndrome. Last evaluated: 2024-04-16. Review status: criteria provided, single submitter. Criteria: ACMG Guidelines, 2015. Collection method: clinical testing. Allele origin: germline. Inheritance: Autosomal dominant inheritance. Observed: 1 variant allele, 1 heterozygote.
Comment: This variant causes a C to A nucleotide substitution at the -5 position of intron 35 of the FBN1 gene. Splice prediction tools are inconclusive regarding the impact of this variant on RNA splicing. To our knowledge, RNA studies have not been reported for this variant. This variant has not been reported in individuals affected with FBN1-related disorders in the literature. This variant has not been identified in the general population by the Genome Aggregation Database (gnomAD). The available evidence is insufficient to determine the role of this variant in disease conclusively. Therefore, this variant is classified as a Variant of Uncertain Significance.

This study involves interpretation of variants in research participants for the purpose of population health screening. Participant phenotype was not available at the time of variant classification. Additional details can be found in publication PMID: 35346344, PMCID: PMC8962531

Labcorp Genetics (formerly Invitae), Labcorp
Classification: Likely benign for Marfan syndrome; Familial thoracic aortic aneurysm and aortic dissection. Last evaluated: 2024-02-26. Review status: criteria provided, single submitter. Criteria: Invitae Variant Classification Sherloc (09022015). Collection method: clinical testing. Allele origin: germline.

NM_000138.5(FBN1):c.4337-5C>A

Gene: FBN1 (fibrillin 1; minus strand). Cytogenetic location: 15q21.1.
Variant type: single nucleotide variant.
Coding change: c.4337-5C>A on transcript NM_000138.5 (MANE Select); 5 bases into the intron before coding-DNA position 4337, C replaced by A.
Molecular consequence: intron variant.
Genome position (GRCh38, 1-based): chr15:48,470,761, G>T on the plus strand (C>A on the coding strand, the complement: FBN1 is on the minus strand). VCF-style: chr15-48470761-G-T. GRCh37 (hg19) VCF-style: chr15-48762958-G-T.
Identifiers: ClinVar variation 1036332 (VCV001036332.9), dbSNP rs370959127, ClinGen allele CA2175519634.